The following is an entry in ClinVar:

NM_006231.4(POLE):c.825C>T (p.Asp275=)

Gene: POLE (DNA polymerase epsilon, catalytic subunit; minus strand). Cytogenetic location: 12q24.33.
Variant type: single nucleotide variant.
Coding change: c.825C>T on transcript NM_006231.4 (MANE Select); coding-DNA position 825, C replaced by T.
Protein change: p.Asp275=; no amino-acid change (aspartic acid 275 retained).
Molecular consequence: synonymous variant.
Genome position (GRCh38, 1-based): chr12:132,676,630, G>A on the plus strand (C>T on the coding strand, the complement: POLE is on the minus strand). VCF-style: chr12-132676630-G-A. GRCh37 (hg19) VCF-style: chr12-133253216-G-A.
Identifiers: ClinVar variation 748656 (VCV000748656.16), dbSNP rs1483809345, ClinGen allele CA482723668.

ClinVar aggregate classification (germline): Benign/Likely benign. Review status: criteria provided, multiple submitters, no conflicts (2 of 4 stars). 3 submissions from 3 submitters: Benign (1); Likely benign (2). Last evaluated 2025-02-07.

Conditions:
Colorectal cancer, susceptibility to, 12 (CRCS12). Also called: COLORECTAL CANCER, SUSCEPTIBILITY TO, ON CHROMOSOME 12q24. Identifiers: Orphanet 220460, MedGen C3554460, MONDO:0014038, OMIM 615083.
Hereditary cancer-predisposing syndrome. Also called: Tumor predisposition; Hereditary neoplastic syndrome; Neoplastic Syndromes, Hereditary; Hereditary Cancer Syndrome. Identifiers: Orphanet 140162, MedGen C0027672, MeSH D009386, MONDO:0015356.

Allele frequency attached by ClinVar (database versions not stated): TOPMed below 0.00001.
gnomAD v4.1: 2 of 1,613,270 alleles (0.00012%); highest among the groups gnomAD compares: Non-Finnish European, 0.00017%; no homozygotes.

Submissions (3):

Myriad Genetics, Inc.
Classification: Benign for Colorectal cancer, susceptibility to, 12. Last evaluated: 2025-02-07. Review status: criteria provided, single submitter. Criteria: Myriad Autosomal Dominant, Autosomal Recessive and X-Linked Classification Criteria (2023). Collection method: clinical testing. Allele origin: unknown.
Comment: This variant is considered benign. This variant is a silent/synonymous amino acid change and it is not expected to impact splicing.

Labcorp Genetics (formerly Invitae), Labcorp
Classification: Likely benign. Last evaluated: 2024-04-15. Review status: criteria provided, single submitter. Criteria: Invitae Variant Classification Sherloc (09022015). Collection method: clinical testing. Allele origin: germline.

Ambry Genetics
Classification: Likely benign for Hereditary cancer-predisposing syndrome. Last evaluated: 2019-09-27. Review status: criteria provided, single submitter. Criteria: Ambry Variant Classification Scheme 2023. Collection method: clinical testing. Allele origin: germline.